The following is an entry in ClinVar:

NM_001379081.2(FREM1):c.347C>G (p.Thr116Ser)

Gene: FREM1 (FRAS1 related extracellular matrix 1; minus strand). Cytogenetic location: 9p22.3.
Variant type: single nucleotide variant.
Coding change: c.347C>G on transcript NM_001379081.2 (MANE Select); coding-DNA position 347, C replaced by G.
Protein change: p.Thr116Ser; replaces threonine 116 with serine.
Molecular consequence: missense variant. On other transcripts: non-coding transcript variant (4).
Genome position (GRCh38, 1-based): chr9:14,859,467, G>C on the plus strand (C>G on the coding strand, the complement: FREM1 is on the minus strand). VCF-style: chr9-14859467-G-C. GRCh37 (hg19) VCF-style: chr9-14859465-G-C.
Other names: c.347C>G, p.Thr116Ser (NM_001370060.1, NM_001370063.1, NM_001370065.1 and 1 more transcripts); short protein forms T116S.
Identifiers: ClinVar variation 1520000 (VCV001520000.8), dbSNP rs747949999, ClinGen allele CA4991598.
Genomic context (GRCh38, chr9:14,859,467, plus strand): 5'-TGGATGATGTTACAGTCTGGTTCCAGGAGATAGACCCACAGGATAAAAGTTTCTATGAAG[G>C]TATCTCTTTCAGTAAATCTGTGGAGAACACAGGGCAAAAGCAATATTAATTGGTGCTCAG-3'
Protein context (NP_001366010.1, residues 106-126): LRLYRFTERD[Thr116Ser]FIETFILWVY

ClinVar aggregate classification (germline): Uncertain significance. Review status: criteria provided, multiple submitters, no conflicts (2 of 4 stars). 3 submissions from 3 submitters: Uncertain significance (3). Last evaluated 2026-08-01.

Conditions:
Trigonocephaly 2 (TRIGNO2). Identifiers: Orphanet 3366, MedGen C3280974, MONDO:0013774, OMIM 614485.
Oculotrichoanal syndrome (MOTA). Also called: MARLES SYNDROME; Manitoba Oculotrichoanal (MOTA) Syndrome. Identifiers: Orphanet 2717, MedGen C1855425, MONDO:0009560, OMIM 248450.
BNAR syndrome. Also called: Bifid Nose With or Without Anorectal and Renal Anomalies (BNAR) Syndrome. Identifiers: Orphanet 217266, MedGen C2750433, MONDO:0012165, OMIM 608980.

gnomAD v4.1: 34 of 1,612,582 alleles (0.0021%); highest among the groups gnomAD compares: Non-Finnish European, 0.0029%; no homozygotes.

Submissions (3):

CeGaT Center for Human Genetics Tuebingen
Classification: Uncertain significance. Last evaluated: 2026-08-01. Review status: criteria provided, single submitter. Criteria: CeGaT Center For Human Genetics Tuebingen Variant Classification Criteria Version 2. Collection method: clinical testing. Allele origin: germline. Affected: yes. Observed: 1 variant allele.
Comment: FREM1: PM2, BP4

Labcorp Genetics (formerly Invitae), Labcorp
Classification: Uncertain significance. Last evaluated: 2022-09-07. Review status: criteria provided, single submitter. Criteria: Invitae Variant Classification Sherloc (09022015). Collection method: clinical testing. Allele origin: germline.
Comment: In summary, the available evidence is currently insufficient to determine the role of this variant in disease. Therefore, it has been classified as a Variant of Uncertain Significance. Algorithms developed to predict the effect of missense changes on protein structure and function are either unavailable or do not agree on the potential impact of this missense change (SIFT: "Deleterious"; PolyPhen-2: "Probably Damaging"; Align-GVGD: "Class C0"). ClinVar contains an entry for this variant (Variation ID: 1520000). This variant has not been reported in the literature in individuals affected with FREM1-related conditions. This variant is present in population databases (rs747949999, gnomAD 0.004%). This sequence change replaces threonine, which is neutral and polar, with serine, which is neutral and polar, at codon 116 of the FREM1 protein (p.Thr116Ser).

Fulgent Genetics
Classification: Uncertain significance for Oculotrichoanal syndrome; BNAR syndrome; Trigonocephaly 2. Last evaluated: 2022-03-25. Review status: criteria provided, single submitter. Criteria: ACMG Guidelines, 2015. Collection method: clinical testing. Allele origin: unknown.